The following is an entry in ClinVar:

ClinVar aggregate classification (germline): Likely pathogenic (1 of 4 stars; one submission).

Conditions:
Telangiectasia, hereditary hemorrhagic, type 1 (HHT1). Also called: Osler Weber Rendu syndrome type 1; ENG-Related Hereditary Hemorrhagic Telangiectasia. Identifiers: Orphanet 774, MedGen C4551861, MONDO:0008535, OMIM 187300. Disease mechanism: loss of function.

Submission:

Laboratory of Medical Genetics, National & Kapodistrian University of Athens
Classification: Likely pathogenic for Telangiectasia, hereditary hemorrhagic, type 1. Last evaluated: 2021-10-01. Review status: criteria provided, single submitter. Criteria: ACMG Guidelines, 2015. Collection method: clinical testing. Allele origin: paternal. Affected: yes.
Comment: PM1, PM2, PP3, PP4

Literature cited by the submitters: PubMed 34008892.

NM_001114753.3(ENG):c.296T>A (p.Leu99His)

Gene: ENG (endoglin; minus strand). Cytogenetic location: 9q34.11.
Variant type: single nucleotide variant.
Coding change: c.296T>A on transcript NM_001114753.3 (MANE Select); coding-DNA position 296, T replaced by A.
Protein change: p.Leu99His; replaces leucine 99 with histidine.
Molecular consequence: missense variant. On other transcripts: 5 prime UTR variant (1).
Genome position (GRCh38, 1-based): chr9:127,829,751, A>T on the plus strand (T>A on the coding strand, the complement: ENG is on the minus strand). VCF-style: chr9-127829751-A-T. GRCh37 (hg19) VCF-style: chr9-130592030-A-T.
Other names: c.296T>A, p.Leu99His (NM_000118.4, NM_001406715.1); c.-251T>A (NM_001278138.2); short protein forms L99H.
Identifiers: ClinVar variation 1299636 (VCV001299636.3), dbSNP rs2131895111, ClinGen allele CA374986037.